The following is an entry in ClinVar:

ClinVar aggregate classification (germline): Uncertain significance (1 of 4 stars; one submission).

Submission:

Greenwood Genetic Center Diagnostic Laboratories, Greenwood Genetic Center
Classification: Uncertain significance. Last evaluated: 2025-10-01. Review status: criteria provided, single submitter. Criteria: ACMG Guidelines, 2015. Collection method: clinical testing. Allele origin: germline. Affected: yes.
Comment: PM2, BP4

NM_001042492.3(NF1):c.1260+179A>G

Gene: NF1 (neurofibromin 1; plus strand). Cytogenetic location: 17q11.2.
Variant type: single nucleotide variant.
Coding change: c.1260+179A>G on transcript NM_001042492.3 (MANE Select); 179 bases into the intron after coding-DNA position 1260, A replaced by G.
Molecular consequence: intron variant.
Genome position (GRCh38, 1-based): chr17:31,201,664, A>G. VCF-style: chr17-31201664-A-G. GRCh37 (hg19) VCF-style: chr17-29528682-A-G.
Other names: c.1260+179A>G (NM_000267.4, NM_001128147.3).
Identifiers: ClinVar variation 4845580 (VCV004845580.1).
Genomic context (GRCh38, chr17:31,201,664, plus strand): 5'-AAATAGGAAAATTTCTCCATGGTGATTCTATTTGATAATTGATAAATATTTGTATTTTTC[A>G]TATTAAGTCTTGACCGAAGGGACCATATTAAGGAAGATGGAGTTAATAAGATGCTTTGGA-3'